The following is an entry in ClinVar:

ClinVar aggregate classification (germline): Uncertain significance (1 of 4 stars; one submission).

gnomAD v4.1: 1 of 1,612,746 alleles (0.000062%); highest among the groups gnomAD compares: Non-Finnish European, 0.000085%; no homozygotes.

Submission:

GeneDx
Classification: Uncertain significance. Last evaluated: 2025-03-20. Review status: criteria provided, single submitter. Criteria: GeneDx Variant Classification Process June 2021. Collection method: clinical testing. Allele origin: germline.
Comment: Not observed at significant frequency in large population cohorts (gnomAD); In silico analysis supports that this missense variant has a deleterious effect on protein structure/function; Has not been previously published as pathogenic or benign to our knowledge; Variants in candidate genes are classified as variants of uncertain significance in accordance with ACMG guidelines (PMID: 25741868)

NM_004839.4(HOMER2):c.631A>G (p.Asn211Asp)

Gene: HOMER2 (homer scaffold protein 2; minus strand). Cytogenetic location: 15q25.2.
Variant type: single nucleotide variant.
Coding change: c.631A>G on transcript NM_004839.4 (MANE Select); coding-DNA position 631, A replaced by G.
Protein change: p.Asn211Asp; replaces asparagine 211 with aspartic acid.
Molecular consequence: missense variant.
Genome position (GRCh38, 1-based): chr15:82,854,664, T>C on the plus strand (A>G on the coding strand, the complement: HOMER2 is on the minus strand). VCF-style: chr15-82854664-T-C. GRCh37 (hg19) VCF-style: chr15-83523416-T-C.
Other names: c.664A>G, p.Asn222Asp (NM_199330.3); short protein forms N211D, N222D.
Identifiers: ClinVar variation 4975119 (VCV004975119.1).
Genomic context (GRCh38, chr15:82,854,664, plus strand): 5'-ACCAGCTGGCCTCGGGGCTCACTGCATCCACCGTACCCACCTTGTTGCGGAGCCGGTCAT[T>C]CTCATCACGGCAGATGGAGAACTGCCTCTTCCACTGCTCCACACTGGCTGCCGACTCCTG-3'
Protein context (NP_004830.2, residues 201-221): KRQFSICRDE[Asn211Asp]DRLRNKIDEL